The following is an entry in ClinVar:

ClinVar aggregate classification (germline): Pathogenic. Review status: criteria provided, single submitter (1 of 4 stars). 2 submissions from 2 submitters: Pathogenic (1). 1 of the submissions does not count toward it. Last evaluated 2025-08-21.

Conditions:
Marfan syndrome (MFS). Also called: MARFAN SYNDROME, TYPE I; Marfan syndrome type 1; Marfan's syndrome; Marfan syndrome, classic; FBN1-Related Marfan Syndrome. Identifiers: Orphanet 284963, Orphanet 558, MedGen C0024796, MONDO:0007947, OMIM 154700.
Familial thoracic aortic aneurysm and aortic dissection (TAAD). Also called: Thoracic aortic aneurysms and dissections. Identifiers: Orphanet 91387, MedGen C4707243, MONDO:0019625.

Submissions (2):

Labcorp Genetics (formerly Invitae), Labcorp
Classification: Pathogenic for Marfan syndrome; Familial thoracic aortic aneurysm and aortic dissection. Last evaluated: 2025-08-21. Review status: criteria provided, single submitter. Criteria: Invitae Variant Classification Sherloc (09022015). Collection method: clinical testing. Allele origin: germline.
Comment: This sequence change affects an acceptor splice site in intron 24 of the FBN1 gene. It is expected to disrupt RNA splicing. Variants that disrupt the donor or acceptor splice site typically lead to a loss of protein function (PMID: 16199547), and loss-of-function variants in FBN1 are known to be pathogenic (PMID: 17657824, 19293843). This variant is not present in population databases (gnomAD no frequency). Disruption of this splice site has been observed in individuals with clinical features of FBN1-related conditions (PMID: 36517271). ClinVar contains an entry for this variant (Variation ID: 1485695). Algorithms developed to predict the effect of sequence changes on RNA splicing suggest that this variant may disrupt the consensus splice site. For these reasons, this variant has been classified as Pathogenic.

deCODE genetics, Amgen
Classification: Pathogenic for Marfan syndrome. Last evaluated: 2023-04-10. Review status: no assertion criteria provided. Collection method: case-control. Allele origin: germline. Affected: yes. Observed: 1 variant allele. Not counted in ClinVar's aggregate classification.
Comment: Applied ACMG criteria: PVS1, PS2, PP4

Literature cited by the submitters: PubMed 16199547 (cited by Labcorp Genetics (formerly Invitae), Labcorp); PubMed 17657824 (cited by Labcorp Genetics (formerly Invitae), Labcorp); PubMed 19293843 (cited by Labcorp Genetics (formerly Invitae), Labcorp); PubMed 36517271 (cited by Labcorp Genetics (formerly Invitae), Labcorp); PubMed 37684520 (cited by deCODE genetics, Amgen).

NM_000138.5(FBN1):c.2855-2A>G

Gene: FBN1 (fibrillin 1; minus strand). Cytogenetic location: 15q21.1.
Variant type: single nucleotide variant.
Coding change: c.2855-2A>G on transcript NM_000138.5 (MANE Select); the canonical splice acceptor site of the intron before coding-DNA position 2855, A replaced by G.
Molecular consequence: splice acceptor variant.
Genome position (GRCh38, 1-based): chr15:48,490,080, T>C on the plus strand (A>G on the coding strand, the complement: FBN1 is on the minus strand). VCF-style: chr15-48490080-T-C. GRCh37 (hg19) VCF-style: chr15-48782277-T-C.
Other names: c.2855-2A>G (NM_001406716.1).
Identifiers: ClinVar variation 1485695 (VCV001485695.30), dbSNP rs2141297577, ClinGen allele CA392330263.